The following is an entry in ClinVar:

ClinVar aggregate classification (germline): Conflicting classifications of pathogenicity. Review status: criteria provided, conflicting classifications (1 of 4 stars). 9 submissions from 9 submitters: Pathogenic (1); Likely pathogenic (2); Uncertain significance (5); Likely benign (1). Last evaluated 2026-03-20.

Conditions:
Oculocutaneous albinism. Identifiers: Orphanet 55, MedGen C0078918, MONDO:0018910.
SKIN/HAIR/EYE PIGMENTATION 3, LIGHT/DARK SKIN (SHEP3). Also called: SKIN/HAIR/EYE PIGMENTATION, VARIATION IN, 3; SKIN/HAIR/EYE PIGMENTATION 3, BLUE/GREEN EYE COLOR; SKIN/HAIR/EYE PIGMENTATION 3, FRECKLING; EYE COLOR 1; EYE COLOR, GREEN/BLUE. Identifiers: MedGen C2677190, OMIM 601800.
Oculocutaneous albinism type 1A (OCA1A). Also called: Albinism, oculocutaneous, type IA. Identifiers: Orphanet 352731, Orphanet 79431, MedGen C4551504, MONDO:0008745, OMIM 203100. Disease mechanism: loss of function.
Oculocutaneous albinism type 1B (OCA1B). Also called: ALBINISM, YELLOW MUTANT TYPE; ALBINISM, OCULOCUTANEOUS, TYPE IB; YELLOW ALBINISM. Identifiers: Orphanet 352731, Orphanet 352737, Orphanet 79434, MedGen C1847024, MONDO:0011749, OMIM 606952.

Allele frequency attached by ClinVar (database versions not stated): gnomAD exomes 0.00006 and 0.00018; ExAC 0.00026; 1000 Genomes Project 30x 0.00047; 1000 Genomes Project 0.00060; gnomAD 0.00088 and 0.00096; ESP Exome Variant Server 0.00092; TOPMed 0.00095.
gnomAD v4.1: 224 of 1,612,468 alleles (0.014%); highest among the groups gnomAD compares: African/African-American, 0.29%; 1 homozygote.

Submissions (9):

GeneDx
Classification: Likely pathogenic. Last evaluated: 2026-03-20. Review status: criteria provided, single submitter. Criteria: GeneDx Variant Classification Process June 2021. Collection method: clinical testing. Allele origin: germline.
Comment: Observed in the heterozygous state in a proband with oculocutaneous albinism in published literature; however, a second variant in TYR was not identified (PMID: 28451379); In silico analysis supports that this missense variant has a deleterious effect on protein structure/function; This variant is associated with the following publications: (PMID: 23504663, 20806075, 28451379)

Labcorp Genetics (formerly Invitae), Labcorp
Classification: Pathogenic. Last evaluated: 2026-01-22. Review status: criteria provided, single submitter. Criteria: Invitae Variant Classification Sherloc (09022015). Collection method: clinical testing. Allele origin: germline.
Comment: This sequence change replaces isoleucine, which is neutral and non-polar, with threonine, which is neutral and polar, at codon 222 of the TYR protein (p.Ile222Thr). This variant is present in population databases (rs34878847, gnomAD 0.3%). This missense change has been observed in individual(s) with oculocutaneous albinism (internal data). In at least one individual the data is consistent with being in trans (on the opposite chromosome) from a pathogenic variant. ClinVar contains an entry for this variant (Variation ID: 499705). Invitae Evidence Modeling of protein sequence and biophysical properties (such as structural, functional, and spatial information, amino acid conservation, physicochemical variation, residue mobility, and thermodynamic stability) indicates that this missense variant is expected to disrupt TYR protein function with a positive predictive value of 95%. For these reasons, this variant has been classified as Pathogenic.

Women's Health and Genetics/Laboratory Corporation of America, LabCorp
Classification: Uncertain significance. Last evaluated: 2025-12-12. Review status: criteria provided, single submitter. Criteria: LabCorp Variant Classification Summary - May 2015. Collection method: clinical testing. Allele origin: germline.
Comment: Variant summary: TYR c.665T>C (p.Ile222Thr) results in a non-conservative amino acid change located in the Tyrosinase copper-binding domain (IPR002227) of the encoded protein sequence. Algorithms developed to predict the effect of missense changes on protein structure and function all suggest that this variant is likely to be disruptive. The variant allele was found at a frequency of 0.00014 in 1612468 control chromosomes in the gnomAD database, including one homozygote. This frequency is not significantly higher than estimated for disease-causing variants in TYR, allowing no conclusion about variant significance. c.665T>C has been reported in the literature in individuals affected with Oculocutaneous Albinism (Simenonov_2013, Gao_2017, internal data). These data indicate that the variant may be associated with disease. To our knowledge, no experimental evidence demonstrating an impact on protein function has been reported. The following publications have been ascertained in the context of this evaluation (PMID: 28451379, 23504663). ClinVar contains an entry for this variant (Variation ID: 499705). Based on the evidence outlined above, the variant was classified as VUS-possibly pathogenic.

Fulgent Genetics
Classification: Likely pathogenic for Oculocutaneous albinism type 1A; SKIN/HAIR/EYE PIGMENTATION 3, LIGHT/DARK SKIN; Oculocutaneous albinism type 1B. Last evaluated: 2024-04-08. Review status: criteria provided, single submitter. Criteria: ACMG Guidelines, 2015. Collection method: clinical testing. Allele origin: germline.

Blueprint Genetics
Classification: Uncertain significance. Last evaluated: 2024-01-23. Review status: criteria provided, single submitter. Criteria: ACMG Guidelines, 2015. Collection method: clinical testing. Allele origin: germline.

Genome-Nilou Lab
Classification: Likely benign for Oculocutaneous albinism type 1A. Last evaluated: 2021-07-22. Review status: criteria provided, single submitter. Criteria: ACMG Guidelines, 2015. Collection method: clinical testing. Allele origin: germline. Affected: no.

Genetic Services Laboratory, University of Chicago
Classification: Uncertain significance. Last evaluated: 2018-05-31. Review status: criteria provided, single submitter. Criteria: ACMG Guidelines, 2015. Collection method: clinical testing. Allele origin: germline. Affected: no.

Illumina Laboratory Services, Illumina
Classification: Uncertain significance for Oculocutaneous albinism. Last evaluated: 2017-04-28. Review status: criteria provided, single submitter. Criteria: ICSL Variant Classification Criteria 13 December 2019. Collection method: clinical testing. Allele origin: germline.

Eurofins Ntd Llc (ga)
Classification: Uncertain significance. Last evaluated: 2017-01-05. Review status: criteria provided, single submitter. Criteria: EGL Classification Definitions 2015. Collection method: clinical testing. Allele origin: germline. Observed: 1 variant allele, 1 heterozygote.

Literature cited by the submitters: PubMed 23504663 (cited by Women's Health and Genetics/Laboratory Corporation of America, LabCorp); PubMed 28451379 (cited by Women's Health and Genetics/Laboratory Corporation of America, LabCorp).

NM_000372.5(TYR):c.665T>C (p.Ile222Thr)

Gene: TYR (tyrosinase; plus strand). Cytogenetic location: 11q14.3.
Variant type: single nucleotide variant.
Coding change: c.665T>C on transcript NM_000372.5 (MANE Select); coding-DNA position 665, T replaced by C.
Protein change: p.Ile222Thr; replaces isoleucine 222 with threonine.
Molecular consequence: missense variant.
Genome position (GRCh38, 1-based): chr11:89,178,618, T>C. VCF-style: chr11-89178618-T-C. GRCh37 (hg19) VCF-style: chr11-88911786-T-C.
Other names: short protein forms I222T.
Identifiers: ClinVar variation 499705 (VCV000499705.28), dbSNP rs34878847, ClinGen allele CA6221167.